The following is an entry in ClinVar:

NM_001849.4(COL6A2):c.2858G>A (p.Gly953Asp)

Gene: COL6A2 (collagen type VI alpha 2 chain; plus strand). Cytogenetic location: 21q22.3.
Variant type: single nucleotide variant.
Coding change: c.2858G>A on transcript NM_001849.4 (MANE Select); coding-DNA position 2858, G replaced by A.
Protein change: p.Gly953Asp; replaces glycine 953 with aspartic acid.
Molecular consequence: missense variant.
Genome position (GRCh38, 1-based): chr21:46,132,350, G>A. VCF-style: chr21-46132350-G-A. GRCh37 (hg19) VCF-style: chr21-47552264-G-A.
Other names: short protein forms G953D.
Identifiers: ClinVar variation 2440400 (VCV002440400.7), dbSNP rs895235616, ClinGen allele CA321980130.

ClinVar aggregate classification (germline): Uncertain significance. Review status: criteria provided, multiple submitters, no conflicts (2 of 4 stars). 3 submissions from 3 submitters: Uncertain significance (3). Last evaluated 2026-03-23.

Conditions:
Bethlem myopathy 1A. Also called: Bethlem myopathy 1; MYOPATHY, BENIGN CONGENITAL, WITH CONTRACTURES; Bethlem Muscular Dystrophy. Identifiers: Orphanet 610, MedGen CN029274, MONDO:0024530, OMIM 158810.
Inborn genetic diseases. Identifiers: MedGen C0950123, MeSH D030342.

Allele frequency attached by ClinVar (database versions not stated): gnomAD exomes below 0.00001; TOPMed 0.00002; gnomAD 0.00001.
gnomAD v4.1: 6 of 1,608,434 alleles (0.00037%); highest among the groups gnomAD compares: African/African-American, 0.0027%; no homozygotes.

Submissions (3):

Ambry Genetics
Classification: Uncertain significance for Inborn genetic diseases. Last evaluated: 2026-03-23. Review status: criteria provided, single submitter. Criteria: Ambry Variant Classification Scheme 2023. Collection method: clinical testing. Allele origin: germline.

Labcorp Genetics (formerly Invitae), Labcorp
Classification: Uncertain significance for Bethlem myopathy 1A. Last evaluated: 2023-12-15. Review status: criteria provided, single submitter. Criteria: Invitae Variant Classification Sherloc (09022015). Collection method: clinical testing. Allele origin: germline.
Comment: This sequence change replaces glycine, which is neutral and non-polar, with aspartic acid, which is acidic and polar, at codon 953 of the COL6A2 protein (p.Gly953Asp). This variant is present in population databases (no rsID available, gnomAD 0.01%). This variant has not been reported in the literature in individuals affected with COL6A2-related conditions. ClinVar contains an entry for this variant (Variation ID: 2440400). Advanced modeling of protein sequence and biophysical properties (such as structural, functional, and spatial information, amino acid conservation, physicochemical variation, residue mobility, and thermodynamic stability) performed at Invitae indicates that this missense variant is not expected to disrupt COL6A2 protein function with a negative predictive value of 80%. In summary, the available evidence is currently insufficient to determine the role of this variant in disease. Therefore, it has been classified as a Variant of Uncertain Significance.

Revvity Omics, Revvity
Classification: Uncertain significance. Last evaluated: 2019-09-19. Review status: criteria provided, single submitter. Criteria: ACMG Guidelines, 2015. Collection method: clinical testing. Allele origin: germline.